The following is an entry in ClinVar:

NM_000744.7(CHRNA4):c.1484G>A (p.Arg495Gln)

Gene: CHRNA4 (cholinergic receptor nicotinic alpha 4 subunit; minus strand). Cytogenetic location: 20q13.33.
Variant type: single nucleotide variant.
Coding change: c.1484G>A on transcript NM_000744.7 (MANE Select); coding-DNA position 1484, G replaced by A.
Protein change: p.Arg495Gln; replaces arginine 495 with glutamine.
Molecular consequence: missense variant. On other transcripts: non-coding transcript variant (1).
Genome position (GRCh38, 1-based): chr20:63,349,927, C>T on the plus strand (G>A on the coding strand, the complement: CHRNA4 is on the minus strand). VCF-style: chr20-63349927-C-T. GRCh37 (hg19) VCF-style: chr20-61981279-C-T.
Other names: c.956G>A, p.Arg319Gln (NM_001256573.2); short protein forms R495Q, R319Q.
Identifiers: ClinVar variation 2736979 (VCV002736979.3), dbSNP rs549863396, ClinGen allele CA409633401.

ClinVar aggregate classification (germline): Uncertain significance (1 of 4 stars; one submission).

Conditions:
Familial sleep-related hypermotor epilepsy. Also called: Autosomal Dominant Sleep-Related Hypermotor (Hyperkinetic) Epilepsy. Identifiers: Orphanet 98784, MedGen C3696898, MONDO:0000030.

Submission:

Labcorp Genetics (formerly Invitae), Labcorp
Classification: Uncertain significance. Last evaluated: 2025-03-19. Review status: criteria provided, single submitter. Criteria: Invitae Variant Classification Sherloc (09022015). Collection method: clinical testing. Allele origin: germline.
Comment: This sequence change replaces arginine, which is basic and polar, with glutamine, which is neutral and polar, at codon 495 of the CHRNA4 protein (p.Arg495Gln). This variant is not present in population databases (gnomAD no frequency). This variant has not been reported in the literature in individuals affected with CHRNA4-related conditions. ClinVar contains an entry for this variant (Variation ID: 2736979). Invitae Evidence Modeling of protein sequence and biophysical properties (such as structural, functional, and spatial information, amino acid conservation, physicochemical variation, residue mobility, and thermodynamic stability) indicates that this missense variant is not expected to disrupt CHRNA4 protein function with a negative predictive value of 80%. Experimental studies have shown that this missense change affects CHRNA4 function (PMID: 19628475). In summary, the available evidence is currently insufficient to determine the role of this variant in disease. Therefore, it has been classified as a Variant of Uncertain Significance.

Literature cited by the submitters: PubMed 19628475.